The following is an entry in ClinVar:

ClinVar aggregate classification (germline): Uncertain significance (1 of 4 stars; one submission).

Conditions:
Mitochondrial complex II deficiency, nuclear type 1. Also called: SUCCINATE CoQ REDUCTASE DEFICIENCY. Identifiers: Orphanet 3208, MedGen C5700310, MONDO:0100294, OMIM 252011.
Pheochromocytoma/paraganglioma syndrome 5. Also called: Paragangliomas 5; SDHA-Related Hereditary Paraganglioma-Pheochromocytoma Syndrome. Identifiers: Orphanet 29072, MedGen C3279992, MONDO:0013602, OMIM 614165.

Allele frequency attached by ClinVar (database versions not stated): gnomAD exomes below 0.00001.
gnomAD v4.1: 1 of 1,613,424 alleles (0.000062%); highest among the groups gnomAD compares: East Asian, 0.0022%; no homozygotes.

Submission:

Labcorp Genetics (formerly Invitae), Labcorp
Classification: Uncertain significance for Pheochromocytoma/paraganglioma syndrome 5; Mitochondrial complex II deficiency, nuclear type 1. Last evaluated: 2022-10-09. Review status: criteria provided, single submitter. Criteria: Invitae Variant Classification Sherloc (09022015). Collection method: clinical testing. Allele origin: germline.
Comment: This sequence change replaces proline, which is neutral and non-polar, with leucine, which is neutral and non-polar, at codon 56 of the SDHA protein (p.Pro56Leu). This variant is not present in population databases (gnomAD no frequency). This variant has not been reported in the literature in individuals affected with SDHA-related conditions. Advanced modeling of protein sequence and biophysical properties (such as structural, functional, and spatial information, amino acid conservation, physicochemical variation, residue mobility, and thermodynamic stability) performed at Invitae indicates that this missense variant is not expected to disrupt SDHA protein function. In summary, the available evidence is currently insufficient to determine the role of this variant in disease. Therefore, it has been classified as a Variant of Uncertain Significance.

NM_004168.4(SDHA):c.167C>T (p.Pro56Leu)

Gene: SDHA (succinate dehydrogenase complex flavoprotein subunit A; plus strand). Cytogenetic location: 5p15.33.
Variant type: single nucleotide variant.
Coding change: c.167C>T on transcript NM_004168.4 (MANE Select); coding-DNA position 167, C replaced by T.
Protein change: p.Pro56Leu; replaces proline 56 with leucine.
Molecular consequence: missense variant.
Genome position (GRCh38, 1-based): chr5:224,376, C>T. VCF-style: chr5-224376-C-T. GRCh37 (hg19) VCF-style: chr5-224491-C-T.
Other names: c.167C>T, p.Pro56Leu (NM_001294332.2, NM_001330758.2); short protein forms P56L.
Identifiers: ClinVar variation 1721340 (VCV001721340.6), dbSNP rs2477285425, ClinGen allele CA359008404.